The following is an entry in ClinVar:

ClinVar aggregate classification (germline): Uncertain significance (1 of 4 stars; one submission).

Conditions:
Mucopolysaccharidosis, MPS-IV-A (MPS4A). Also called: Mucopolysaccharidosis type IV A; Mucopolysaccharidosis Type IVA; Morquio syndrome A, mild; MORQUIO SYNDROME A; MPS IVA; mucopolysaccharidosis type 4A. Identifiers: Orphanet 309297, Orphanet 582, MedGen C0086651, MONDO:0009659, OMIM 253000.

Submission:

Laboratory of Diagnosis and Therapy of Lysosomal Disorders, University of Padova
Classification: Uncertain significance for Mucopolysaccharidosis, MPS-IV-A. Last evaluated: 2021-02-01. Review status: criteria provided, single submitter. Criteria: ACMG Guidelines, 2015. Collection method: curation. Allele origin: germline. Affected: yes.
Comment: In vivo functional studies supportive of a damaging effect on the gene product (low to null enzymatic activity in homozygotes; PS3_supporting); absent from gnomAD v2.1.1 (PM2_moderate); multiple lines of computational evidence support a deleterious effect on the gene (PP3_supporting)

Literature cited by the submitters: PubMed 22521955; PubMed 30023300; PubMed 34387910.

NM_000512.5(GALNS):c.363G>C (p.Glu121Asp)

Gene: GALNS (galactosamine (N-acetyl)-6-sulfatase; minus strand). Cytogenetic location: 16q24.3.
Variant type: single nucleotide variant.
Coding change: c.363G>C on transcript NM_000512.5 (MANE Select); coding-DNA position 363, G replaced by C.
Protein change: p.Glu121Asp; replaces glutamic acid 121 with aspartic acid.
Molecular consequence: missense variant. On other transcripts: 5 prime UTR variant (1).
Genome position (GRCh38, 1-based): chr16:88,841,051, C>G on the plus strand (G>C on the coding strand, the complement: GALNS is on the minus strand). VCF-style: chr16-88841051-C-G. GRCh37 (hg19) VCF-style: chr16-88907459-C-G.
Other names: c.-193G>C (NM_001323543.2); c.381G>C, p.Glu127Asp (NM_001323544.2); short protein forms E121D, E127D.
Identifiers: ClinVar variation 1048274 (VCV001048274.3), dbSNP rs780986116, ClinGen allele CA397088079.